The following is an entry in ClinVar:

GRCh38/hg38 4p16.3(chr4:51519-3775116)x3

Genes: ADD1 (adducin 1; plus strand), ADRA2C (adrenoceptor alpha 2C; plus strand), ASPNAT (aspartate N-acetyltransferase; plus strand), ATP5ME (ATP synthase membrane subunit e; minus strand), CFAP99 (cilia and flagella associated protein 99; plus strand) and 279 more. Cytogenetic location: 4p16.3.
Variant type: copy number gain.
Change: copy number 3 (three copies instead of two) of chr4:51,519-3,775,116 (3.72 Mb, GRCh38 coordinates, 1-based), cytogenetic band 4p16.3.
Identifiers: ClinVar variation 57275 (VCV000057275.1).

ClinVar aggregate classification (germline): Pathogenic (1 of 4 stars; one submission).

Submission:

ISCA site 4
Classification: Pathogenic. Last evaluated: 2011-08-12. Review status: criteria provided, single submitter. Criteria: Kaminsky et al. (Genet Med. 2011). Collection method: clinical testing. Allele origin: unknown. Affected: yes. Observed: 1 variant allele.
Comment: Copy number variation identified through the course of routine clinical cytogenomic testing in postnatal populations. Clinical assertions have been curated as described in Kaminsky et al. 2011.